The following is an entry in ClinVar:

ClinVar aggregate classification (germline): Pathogenic/Likely pathogenic. Review status: criteria provided, multiple submitters, no conflicts (2 of 4 stars). 3 submissions from 3 submitters: Pathogenic (2); Likely pathogenic (1). Last evaluated 2025-12-10.

Conditions:
Dias-Logan syndrome. Also called: INTELLECTUAL DEVELOPMENTAL DISORDER WITH HEREDITARY PERSISTENCE OF FETAL HEMOGLOBIN; Intellectual developmental disorder with persistence of fetal hemoglobin. Identifiers: Orphanet 619233, MedGen C4310833, MONDO:0014914, OMIM 617101.

Submissions (3):

3billion
Classification: Likely pathogenic for Dias-Logan syndrome. Last evaluated: 2025-12-10. Review status: criteria provided, single submitter. Criteria: ACMG Guidelines, 2015. Collection method: clinical testing. Allele origin: germline. Affected: yes.
Comment: The variant is not observed in the gnomAD v4.1.0 dataset. Predicted Consequence/Location: Stop-gained (nonsense): predicted to result in a loss or disruption of normal protein function through protein truncation. Multiple pathogenic variants are reported in the predicted truncated region. The variant has been reported to be associated with BCL11A-related disorder (ClinVar ID: VCV003024309). Therefore, this variant is classified as Likely pathogenic according to the recommendation of ACMG/AMP guideline.

Ozbek Human Genetics Laboratory, Izmir Biomedicine and Genome Center
Classification: Pathogenic for Dias-Logan syndrome. Last evaluated: 2025-11-19. Review status: criteria provided, single submitter. Criteria: ACMG Guidelines, 2015. Collection method: research. Allele origin: de novo. Affected: yes. Observed: 1 variant allele, 1 heterozygote.
Comment: A heterozygous c.1417G>T missense variant was detected in exon 4 of the BCL11A gene (NM_022893.4) (PVS1). This variant is very rarely observed in population databases (PM2). There is a "pathogenic" entry for this variant in the ClinVar database, and it has been reported to occur de novo (PS4). Based on this information, this variant is classified as pathogenic according to ACMG criteria. The BCL11A gene is associated with "Dias-Logan syndrome" in the OMIM database. Data obtained via the RAREBOOST project (Horizon 2020 ERA Chairs at Izmir Biomedicine and Genome Center - IBG)

Molecular Genetics Lab, CHRU Brest
Classification: Pathogenic for Dias-Logan syndrome. Review status: criteria provided, single submitter. Criteria: ACMG Guidelines, 2015. Collection method: clinical testing. Allele origin: de novo. Affected: yes.

NM_022893.4(BCL11A):c.1417G>T (p.Glu473Ter)

Gene: BCL11A (BCL11 transcription factor A; minus strand). Cytogenetic location: 2p16.1.
Variant type: single nucleotide variant.
Coding change: c.1417G>T on transcript NM_022893.4 (MANE Select); coding-DNA position 1417, G replaced by T.
Protein change: p.Glu473Ter; replaces glutamic acid 473 with a stop codon.
Molecular consequence: nonsense. On other transcripts: intron variant (6).
Genome position (GRCh38, 1-based): chr2:60,461,495, C>A on the plus strand (G>T on the coding strand, the complement: BCL11A is on the minus strand). VCF-style: chr2-60461495-C-A. GRCh37 (hg19) VCF-style: chr2-60688630-C-A.
Other names: c.1315G>T, p.Glu439Ter (NM_001363864.1, NM_001365609.1, NM_001405711.1 and 2 more transcripts); c.1417G>T, p.Glu473Ter (NM_001405708.1, NM_001405709.1, NM_001405710.1 and 1 more transcripts); c.1261G>T, p.Glu421Ter (NM_001405713.1, NM_001405714.1, NM_001405715.1 and 3 more transcripts); c.1159G>T, p.Glu387Ter (NM_001405717.1, NM_001405718.1, NM_001405724.1); c.1084G>T, p.Glu362Ter (NM_001405720.1, NM_001405721.1); c.630+787G>T (NM_138559.2, NM_001405732.1); c.528+787G>T (NM_001405733.1); c.474+787G>T (NM_001405735.1, NM_001405734.1); and 5 more; short protein forms E142*, E242*, E294*, E321*, E362*, E387*, E421*, E439*.
Identifiers: ClinVar variation 3024309 (VCV003024309.3), dbSNP rs371309905, ClinGen allele CA347038066.
Genomic context (GRCh38, chr2:60,461,495, plus strand): 5'-CCTCGTCGTCCTCCTCTTCCTCCTCGTCCCCGTTCTCCGGGATCAGGTTGGGGTCGTTCT[C>A]GCTCTTGAACTTGGCCACCACGGACTTGAGCGCGCTGCTGGCGCTGCCCACCAAGTCGCT-3'